The following is an entry in ClinVar:

NM_000492.4(CFTR):c.3318T>C (p.Ile1106=)

Genes: CFTR-AS2 (CFTR antisense RNA 2; minus strand), CFTR (CF transmembrane conductance regulator; plus strand), LOC111674472 (DNase I hypersensitive sites in introns 16 and 17a of CFTR; plus strand). Cytogenetic location: 7q31.2.
Variant type: single nucleotide variant.
Coding change: c.3318T>C on transcript NM_000492.4 (MANE Select); coding-DNA position 3318, T replaced by C.
Protein change: p.Ile1106=; no amino-acid change (isoleucine 1106 retained).
Molecular consequence: synonymous variant.
Genome position (GRCh38, 1-based): chr7:117,611,759, T>C. VCF-style: chr7-117611759-T-C. GRCh37 (hg19) VCF-style: chr7-117251813-T-C.
Identifiers: ClinVar variation 5039830 (VCV005039830.1).

ClinVar aggregate classification (germline): Likely benign (1 of 4 stars; one submission).

Submission:

CeGaT Center for Human Genetics Tuebingen
Classification: Likely benign. Last evaluated: 2026-08-01. Review status: criteria provided, single submitter. Criteria: CeGaT Center For Human Genetics Tuebingen Variant Classification Criteria Version 2. Collection method: clinical testing. Allele origin: germline. Affected: yes. Observed: 1 variant allele.
Comment: CFTR: PM2:Supporting, BP4, BP7